The following is an entry in ClinVar:

NM_005982.4(SIX1):c.144C>G (p.Ser48Arg)

Gene: SIX1 (SIX homeobox 1; minus strand). Cytogenetic location: 14q23.1.
Variant type: single nucleotide variant.
Coding change: c.144C>G on transcript NM_005982.4 (MANE Select); coding-DNA position 144, C replaced by G.
Protein change: p.Ser48Arg; replaces serine 48 with arginine.
Molecular consequence: missense variant.
Genome position (GRCh38, 1-based): chr14:60,649,046, G>C on the plus strand (C>G on the coding strand, the complement: SIX1 is on the minus strand). VCF-style: chr14-60649046-G-C. GRCh37 (hg19) VCF-style: chr14-61115764-G-C.
Other names: c.144C>G, p.Ser48Arg (NM_001425142.1); short protein forms S48R.
Identifiers: ClinVar variation 4755876 (VCV004755876.2).

ClinVar aggregate classification (germline): Uncertain significance (1 of 4 stars; one submission).

Submission:

GeneDx
Classification: Uncertain significance. Last evaluated: 2026-04-03. Review status: criteria provided, single submitter. Criteria: GeneDx Variant Classification Process June 2021. Collection method: clinical testing. Allele origin: germline.
Comment: Not observed at significant frequency in large population cohorts (gnomAD); In silico analysis supports that this missense variant has a deleterious effect on protein structure/function; Has not been previously published as pathogenic or benign to our knowledge